The following is an entry in ClinVar:

NM_000545.8(HNF1A):c.979A>G (p.Thr327Ala)

Gene: HNF1A (HNF1 homeobox A; plus strand). Cytogenetic location: 12q24.31.
Variant type: single nucleotide variant.
Coding change: c.979A>G on transcript NM_000545.8 (MANE Select); coding-DNA position 979, A replaced by G.
Protein change: p.Thr327Ala; replaces threonine 327 with alanine.
Molecular consequence: missense variant.
Genome position (GRCh38, 1-based): chr12:120,996,285, A>G. VCF-style: chr12-120996285-A-G. GRCh37 (hg19) VCF-style: chr12-121434088-A-G.
Other names: c.979A>G, p.Thr327Ala (NM_001306179.2, NM_001406915.1); short protein forms T327A.
Identifiers: ClinVar variation 2896782 (VCV002896782.3), dbSNP rs1877093357, ClinGen allele CA386967897.
Genomic context (GRCh38, chr12:120,996,285, plus strand): 5'-GTGGGGTGCTGAGGCAGGACACTGCTTCCCTCTCCAGGTGTGCGCTATGGACAGCCTGCG[A>G]CCAGTGAGACTGCAGAAGTACCCTCAAGCAGCGGCGGTCCCTTAGTGACAGTGTCTACAC-3'
Protein context (NP_000536.6, residues 317-337): VHGVRYGQPA[Thr327Ala]SETAEVPSSS

ClinVar aggregate classification (germline): Uncertain significance (1 of 4 stars; one submission).

Allele frequency attached by ClinVar (database versions not stated): TOPMed below 0.00001.

Submission:

Labcorp Genetics (formerly Invitae), Labcorp
Classification: Uncertain significance. Last evaluated: 2024-01-19. Review status: criteria provided, single submitter. Criteria: Invitae Variant Classification Sherloc (09022015). Collection method: clinical testing. Allele origin: germline.
Comment: This sequence change replaces threonine, which is neutral and polar, with alanine, which is neutral and non-polar, at codon 327 of the HNF1A protein (p.Thr327Ala). This variant is not present in population databases (gnomAD no frequency). This variant has not been reported in the literature in individuals affected with HNF1A-related conditions. Advanced modeling of protein sequence and biophysical properties (such as structural, functional, and spatial information, amino acid conservation, physicochemical variation, residue mobility, and thermodynamic stability) performed at Invitae indicates that this missense variant is not expected to disrupt HNF1A protein function with a negative predictive value of 80%. In summary, the available evidence is currently insufficient to determine the role of this variant in disease. Therefore, it has been classified as a Variant of Uncertain Significance.